The following is an entry in ClinVar:

ClinVar aggregate classification (germline): Benign/Likely benign. Review status: criteria provided, multiple submitters, no conflicts (2 of 4 stars). 2 submissions from 2 submitters: Benign (1); Likely benign (1). Last evaluated 2026-06-01.

Allele frequency attached by ClinVar (database versions not stated): 1000 Genomes Project 30x 0.00265; 1000 Genomes Project 0.00300; ESP Exome Variant Server 0.00362; TOPMed 0.00369; gnomAD 0.00555 and 0.00577; gnomAD exomes 0.00573 and 0.00682; ExAC 0.00629.
gnomAD v4.1: 10,621 of 1,608,500 alleles (0.66%); highest among the groups gnomAD compares: Non-Finnish European, 0.74%; 52 homozygotes.

Submissions (2):

CeGaT Center for Human Genetics Tuebingen
Classification: Likely benign. Last evaluated: 2026-06-01. Review status: criteria provided, single submitter. Criteria: CeGaT Center For Human Genetics Tuebingen Variant Classification Criteria Version 2. Collection method: clinical testing. Allele origin: germline. Affected: yes. Observed: 11 variant alleles.
Comment: RALGAPA1: PP2, BS2

Mayo Clinic Laboratories, Mayo Clinic
Classification: Benign. Last evaluated: 2022-06-23. Review status: criteria provided, single submitter. Criteria: ACMG Guidelines, 2015. Collection method: clinical testing. Allele origin: germline. Observed: 6 variant alleles.
Comment: BS1, BS2, BP4

NM_001346249.2(RALGAPA1):c.4756G>A (p.Asp1586Asn)

Gene: RALGAPA1 (Ral GTPase activating protein catalytic subunit alpha 1; minus strand). Cytogenetic location: 14q13.2.
Variant type: single nucleotide variant.
Coding change: c.4756G>A on transcript NM_001346249.2 (MANE Select); coding-DNA position 4756, G replaced by A.
Protein change: p.Asp1586Asn; replaces aspartic acid 1586 with asparagine.
Molecular consequence: missense variant.
Genome position (GRCh38, 1-based): chr14:35,674,578, C>T on the plus strand (G>A on the coding strand, the complement: RALGAPA1 is on the minus strand). VCF-style: chr14-35674578-C-T. GRCh37 (hg19) VCF-style: chr14-36143784-C-T.
Other names: p.Asp1080Asn; c.3277G>A, p.Asp1093Asn (NM_001283043.3); c.3379G>A, p.Asp1127Asn (NM_001283044.3, NM_001346245.2, NM_001346247.2); c.4615G>A, p.Asp1539Asn (NM_001330075.3, NM_001346248.2); c.3238G>A, p.Asp1080Asn (NM_001346243.2, NM_001346246.2, NM_014990.3 and 1 more transcripts); short protein forms D1080N, D1093N, D1127N, D1539N, D1586N.
Identifiers: ClinVar variation 1675537 (VCV001675537.34), dbSNP rs140413304, ClinGen allele CA7156661.